The following is an entry in ClinVar:

ClinVar aggregate classification (germline): Uncertain significance (1 of 4 stars; one submission).

Conditions:
Arrhythmogenic right ventricular dysplasia 5. Also called: Arrhythmogenic Right Ventricular Dysplasia/Cardiomyopathy 5; ARRHYTHMOGENIC RIGHT VENTRICULAR DYSPLASIA, FAMILIAL, 5. Identifiers: MedGen C1858379, MONDO:0011459, OMIM 604400.

Submission:

Labcorp Genetics (formerly Invitae), Labcorp
Classification: Uncertain significance for Arrhythmogenic right ventricular dysplasia 5. Last evaluated: 2024-04-16. Review status: criteria provided, single submitter. Criteria: Invitae Variant Classification Sherloc (09022015). Collection method: clinical testing. Allele origin: germline.
Comment: This sequence change creates a premature translational stop signal (p.Val200Serfs*7) in the TMEM43 gene. It is expected to result in an absent or disrupted protein product. However, the current clinical and genetic evidence is not sufficient to establish whether loss-of-function variants in TMEM43 cause disease. This variant is not present in population databases (gnomAD no frequency). This variant has not been reported in the literature in individuals affected with TMEM43-related conditions. In summary, the available evidence is currently insufficient to determine the role of this variant in disease. Therefore, it has been classified as a Variant of Uncertain Significance.

NM_024334.3(TMEM43):c.597del (p.Val200fs)

Gene: TMEM43 (transmembrane protein 43; plus strand). Cytogenetic location: 3p25.1.
Variant type: Deletion.
Coding change: c.597del on transcript NM_024334.3 (MANE Select); coding-DNA position 597, one base deleted (A; older notation c.597delA).
Protein change: p.Val200fs; shifts the reading frame from valine 200.
Molecular consequence: frameshift variant.
Genome position (GRCh38, 1-based): chr3:14,134,783, A deleted; the last of 3 consecutive A bases (chr3:14,134,781-14,134,783); deleting any one gives the same sequence. VCF-style (leftmost placement, unchanged base first): chr3-14134780-CA-C. GRCh37 (hg19) VCF-style: chr3-14176280-CA-C.
Other names: c.600del, p.Val201fs (NM_001407274.1); c.597del, p.Val200fs (NM_001407275.1, NM_001407276.1, NM_001407277.1 and 1 more transcripts); c.582del, p.Val195fs (NM_001407278.1); c.447del, p.Val150fs (NM_001407280.1); short protein forms V195fs, V200fs, V150fs, V201fs.
Identifiers: ClinVar variation 3649971 (VCV003649971.2).